The following is an entry in ClinVar:

NM_018206.6(VPS35):c.1642A>G (p.Lys548Glu)

Gene: VPS35 (VPS35 retromer complex component; minus strand). Cytogenetic location: 16q11.2.
Variant type: single nucleotide variant.
Coding change: c.1642A>G on transcript NM_018206.6 (MANE Select); coding-DNA position 1642, A replaced by G.
Protein change: p.Lys548Glu; replaces lysine 548 with glutamic acid.
Molecular consequence: missense variant.
Genome position (GRCh38, 1-based): chr16:46,668,935, T>C on the plus strand (A>G on the coding strand, the complement: VPS35 is on the minus strand). VCF-style: chr16-46668935-T-C. GRCh37 (hg19) VCF-style: chr16-46702847-T-C.
Other names: c.1642A>G (NM_018206.4); short protein forms K548E.
Identifiers: ClinVar variation 2054697 (VCV002054697.6), dbSNP rs749793948, ClinGen allele CA8036748.

ClinVar aggregate classification (germline): Uncertain significance. Review status: criteria provided, multiple submitters, no conflicts (2 of 4 stars). 3 submissions from 3 submitters: Uncertain significance (3). Last evaluated 2025-08-12.

Conditions:
Inborn genetic diseases. Identifiers: MedGen C0950123, MeSH D030342.
Parkinson disease 17 (PARK17). Also called: VPS35-Related Parkinson Disease. Identifiers: Orphanet 411602, MedGen C3280133, MONDO:0013625, OMIM 614203.

Allele frequency attached by ClinVar (database versions not stated): TOPMed below 0.00001; ExAC 0.00001; gnomAD 0.00001; gnomAD exomes 0.00001.

Submissions (3):

Ambry Genetics
Classification: Uncertain significance for Inborn genetic diseases. Last evaluated: 2025-08-12. Review status: criteria provided, single submitter. Criteria: Ambry Variant Classification Scheme 2023. Collection method: clinical testing. Allele origin: germline.

Fulgent Genetics
Classification: Uncertain significance for Parkinson disease 17. Last evaluated: 2024-05-14. Review status: criteria provided, single submitter. Criteria: ACMG Guidelines, 2015. Collection method: clinical testing. Allele origin: germline.

Labcorp Genetics (formerly Invitae), Labcorp
Classification: Uncertain significance for Parkinson disease 17. Last evaluated: 2022-04-04. Review status: criteria provided, single submitter. Criteria: Invitae Variant Classification Sherloc (09022015). Collection method: clinical testing. Allele origin: germline.
Comment: This sequence change replaces lysine, which is basic and polar, with glutamic acid, which is acidic and polar, at codon 548 of the VPS35 protein (p.Lys548Glu). This variant is present in population databases (rs749793948, gnomAD 0.0009%). This variant has not been reported in the literature in individuals affected with VPS35-related conditions. Algorithms developed to predict the effect of missense changes on protein structure and function (SIFT, PolyPhen-2, Align-GVGD) all suggest that this variant is likely to be tolerated. In summary, the available evidence is currently insufficient to determine the role of this variant in disease. Therefore, it has been classified as a Variant of Uncertain Significance.